The following is an entry in ClinVar:

ClinVar aggregate classification (germline): Uncertain significance (1 of 4 stars; one submission).

gnomAD v4.1: 1 of 1,613,586 alleles (0.000062%); highest among the groups gnomAD compares: Admixed American, 0.0017%; no homozygotes.

Submission:

Labcorp Genetics (formerly Invitae), Labcorp
Classification: Uncertain significance. Last evaluated: 2023-01-04. Review status: criteria provided, single submitter. Criteria: Invitae Variant Classification Sherloc (09022015). Collection method: clinical testing. Allele origin: germline.
Comment: In summary, the available evidence is currently insufficient to determine the role of this variant in disease. Therefore, it has been classified as a Variant of Uncertain Significance. Algorithms developed to predict the effect of missense changes on protein structure and function are either unavailable or do not agree on the potential impact of this missense change (SIFT: "Tolerated"; PolyPhen-2: "Possibly Damaging"; Align-GVGD: "Class C0"). This variant has not been reported in the literature in individuals affected with PPP1R12A-related conditions. This variant is present in population databases (no rsID available, gnomAD 0.003%). This sequence change replaces glutamic acid, which is acidic and polar, with aspartic acid, which is acidic and polar, at codon 457 of the PPP1R12A protein (p.Glu457Asp).

NM_002480.3(PPP1R12A):c.1371G>C (p.Glu457Asp)

Gene: PPP1R12A (protein phosphatase 1 regulatory subunit 12A; minus strand). Cytogenetic location: 12q21.2.
Variant type: single nucleotide variant.
Coding change: c.1371G>C on transcript NM_002480.3 (MANE Select); coding-DNA position 1371, G replaced by C.
Protein change: p.Glu457Asp; replaces glutamic acid 457 with aspartic acid.
Molecular consequence: missense variant.
Genome position (GRCh38, 1-based): chr12:79,809,879, C>G on the plus strand (G>C on the coding strand, the complement: PPP1R12A is on the minus strand). VCF-style: chr12-79809879-C-G. GRCh37 (hg19) VCF-style: chr12-80203659-C-G.
Other names: c.1371G>C, p.Glu457Asp (NM_001143885.2, NM_001244990.2, NM_001244992.1); c.1110G>C, p.Glu370Asp (NM_001143886.2); short protein forms E370D, E457D.
Identifiers: ClinVar variation 2869392 (VCV002869392.3), dbSNP rs1266957266, ClinGen allele CA385849675.